The following is an entry in ClinVar:

ClinVar aggregate classification (germline): Uncertain significance. Review status: criteria provided, multiple submitters, no conflicts (2 of 4 stars). 2 submissions from 2 submitters: Uncertain significance (2). Last evaluated 2022-11-22.

Conditions:
Inborn genetic diseases. Identifiers: MedGen C0950123, MeSH D030342.

Allele frequency attached by ClinVar (database versions not stated): ExAC 0.00001; gnomAD 0.00001; TOPMed 0.00001; gnomAD exomes 0.00002.
gnomAD v4.1: 33 of 1,612,456 alleles (0.002%); highest among the groups gnomAD compares: Non-Finnish European, 0.0026%; no homozygotes.

Submissions (2):

Labcorp Genetics (formerly Invitae), Labcorp
Classification: Uncertain significance. Last evaluated: 2022-11-22. Review status: criteria provided, single submitter. Criteria: Invitae Variant Classification Sherloc (09022015). Collection method: clinical testing. Allele origin: germline.
Comment: In summary, the available evidence is currently insufficient to determine the role of this variant in disease. Therefore, it has been classified as a Variant of Uncertain Significance. Advanced modeling of protein sequence and biophysical properties (such as structural, functional, and spatial information, amino acid conservation, physicochemical variation, residue mobility, and thermodynamic stability) performed at Invitae indicates that this missense variant is expected to disrupt SLC6A19 protein function. ClinVar contains an entry for this variant (Variation ID: 1394478). This variant has not been reported in the literature in individuals affected with SLC6A19-related conditions. The frequency data for this variant in the population databases is considered unreliable, as metrics indicate poor data quality at this position in the gnomAD database. This sequence change replaces leucine, which is neutral and non-polar, with proline, which is neutral and non-polar, at codon 458 of the SLC6A19 protein (p.Leu458Pro).

Ambry Genetics
Classification: Uncertain significance for Inborn genetic diseases. Last evaluated: 2021-08-23. Review status: criteria provided, single submitter. Criteria: Ambry Variant Classification Scheme 2023. Collection method: clinical testing. Allele origin: germline.

NM_001003841.3(SLC6A19):c.1373T>C (p.Leu458Pro)

Gene: SLC6A19 (solute carrier family 6 member 19; plus strand). Cytogenetic location: 5p15.33.
Variant type: single nucleotide variant.
Coding change: c.1373T>C on transcript NM_001003841.3 (MANE Select); coding-DNA position 1373, T replaced by C.
Protein change: p.Leu458Pro; replaces leucine 458 with proline.
Molecular consequence: missense variant.
Genome position (GRCh38, 1-based): chr5:1,219,102, T>C. VCF-style: chr5-1219102-T-C. GRCh37 (hg19) VCF-style: chr5-1219217-T-C.
Other names: c.1373T>C (NM_001003841.2); short protein forms L458P.
Identifiers: ClinVar variation 1394478 (VCV001394478.7), dbSNP rs534391837, ClinGen allele CA3183132.
Genomic context (GRCh38, chr5:1,219,102, plus strand): 5'-GCGTCGTTGTGCCCCTGCAGGACCTCAGAGTCATCCCCCCGAAGTGGCCCAAGGAGGTGC[T>C]CACAGGTACGTGTGCAGTCGGGAGGGGTCCCCATGGCAATGGTGCCACCTGTGGGATGGC-3'
Protein context (NP_001003841.1, residues 448-468): VIPPKWPKEV[Leu458Pro]TGLICLGTFL